The following is an entry in ClinVar:

ClinVar aggregate classification (germline): Uncertain significance. Review status: criteria provided, multiple submitters, no conflicts (2 of 4 stars). 2 submissions from 2 submitters: Uncertain significance (2). Last evaluated 2026-06-16.

Conditions:
PLXNA2-related disorder. Also called: PLXNA2-related condition.

Allele frequency attached by ClinVar (database versions not stated): 1000 Genomes Project 0.00040; 1000 Genomes Project 30x 0.00047; ExAC 0.00049; ESP Exome Variant Server 0.00008; TOPMed 0.00020; gnomAD 0.00026 and 0.00027; gnomAD exomes 0.00035.
gnomAD v4.1: 556 of 1,610,206 alleles (0.035%); highest among the groups gnomAD compares: Non-Finnish European, 0.039%; 2 homozygotes.

Submissions (2):

PreventionGenetics, part of Exact Sciences
Classification: Uncertain significance for PLXNA2-related condition. Last evaluated: 2026-06-16. Review status: criteria provided, single submitter. Criteria: ACMG Guidelines, 2015. Collection method: clinical testing. Allele origin: germline.
Comment: The PLXNA2 c.4883C>T variant is predicted to result in the amino acid substitution p.Thr1628Met. To our knowledge, this variant has not been reported in the literature. This variant is reported in 0.077% of alleles in individuals of European (Finnish) descent in gnomAD, including homozygotes, which is likely too common for an undocumented disease-causing variant. Although we suspect that this variant may be benign, at this time, the clinical significance of this variant is uncertain due to the absence of conclusive functional and genetic evidence.

Labcorp Genetics (formerly Invitae), Labcorp
Classification: Uncertain significance. Last evaluated: 2025-11-25. Review status: criteria provided, single submitter. Criteria: Invitae Variant Classification Sherloc (09022015). Collection method: clinical testing. Allele origin: germline.
Comment: This sequence change replaces threonine, which is neutral and polar, with methionine, which is neutral and non-polar, at codon 1628 of the PLXNA2 protein (p.Thr1628Met). This variant is present in population databases (rs200628052, gnomAD 0.08%), and has an allele count higher than expected for a pathogenic variant. This variant has not been reported in the literature in individuals affected with PLXNA2-related conditions. ClinVar contains an entry for this variant (Variation ID: 1466595). An algorithm developed to predict the effect of missense changes on protein structure and function (PolyPhen-2) suggests that this variant is likely to be disruptive. In summary, the available evidence is currently insufficient to determine the role of this variant in disease. Therefore, it has been classified as a Variant of Uncertain Significance.

NM_025179.4(PLXNA2):c.4883C>T (p.Thr1628Met)

Gene: PLXNA2 (plexin A2; minus strand). Cytogenetic location: 1q32.2.
Variant type: single nucleotide variant.
Coding change: c.4883C>T on transcript NM_025179.4 (MANE Select); coding-DNA position 4883, C replaced by T.
Protein change: p.Thr1628Met; replaces threonine 1628 with methionine.
Molecular consequence: missense variant.
Genome position (GRCh38, 1-based): chr1:208,033,491, G>A on the plus strand (C>T on the coding strand, the complement: PLXNA2 is on the minus strand). VCF-style: chr1-208033491-G-A. GRCh37 (hg19) VCF-style: chr1-208206836-G-A.
Other names: c.4883C>T (NM_025179.3); short protein forms T1628M.
Identifiers: ClinVar variation 1466595 (VCV001466595.11), dbSNP rs200628052, ClinGen allele CA1372717.